The following is an entry in ClinVar:

ClinVar aggregate classification (germline): Uncertain significance (1 of 4 stars; one submission).

Conditions:
Charcot-Marie-Tooth disease dominant intermediate B (CMTDIB). Also called: CHARCOT-MARIE-TOOTH NEUROPATHY, DOMINANT INTERMEDIATE B; Charcot-Marie-Tooth disease dominant intermediate 1; CMT DI1; Charcot-Marie-Tooth disease dominant intermediate I. Identifiers: Orphanet 100044, Orphanet 228179, MedGen C1847902, MONDO:0011674, OMIM 606482.

Submission:

Labcorp Genetics (formerly Invitae), Labcorp
Classification: Uncertain significance for Charcot-Marie-Tooth disease dominant intermediate B. Last evaluated: 2019-12-27. Review status: criteria provided, single submitter. Criteria: Invitae Variant Classification Sherloc (09022015). Collection method: clinical testing. Allele origin: germline.
Comment: In summary, the available evidence is currently insufficient to determine the role of this variant in disease. Therefore, it has been classified as a Variant of Uncertain Significance. Experimental studies and prediction algorithms are not available or were not evaluated, and the functional significance of this variant is currently unknown. This variant has not been reported in the literature in individuals with DNM2-related conditions. This variant is not present in population databases (ExAC no frequency). This variant, c.1735_1737dup, results in the insertion of 1 amino acid(s) to the DNM2 protein (p.Phe579dup), but otherwise preserves the integrity of the reading frame.

NM_001005361.3(DNM2):c.1735_1737dup (p.Phe579dup)

Gene: DNM2 (dynamin 2; plus strand). Cytogenetic location: 19p13.2.
Variant type: Duplication.
Coding change: c.1735_1737dup on transcript NM_001005361.3 (MANE Select); coding-DNA positions 1735 to 1737, 3 bases duplicated (TTC; older notation c.1735_1737dupTTC).
Protein change: p.Phe579dup; duplicates phenylalanine 579.
Molecular consequence: inframe insertion.
Genome position (GRCh38, 1-based): chr19:10,820,043-10,820,045, TTC duplicated; duplicating any 3 consecutive bases within chr19:10,820,042-10,820,045 gives the same sequence; the c. name uses the placement nearest the transcript's 3' end. VCF-style (leftmost placement, unchanged base first): chr19-10820041-G-GCTT. GRCh37 (hg19) VCF-style: chr19-10930717-G-GCTT.
Other names: c.1735_1737dup, p.Phe579dup (NM_001005360.3, NM_001190716.2); c.1723_1725dup, p.Phe575dup (NM_001005362.3, NM_004945.4).
Identifiers: ClinVar variation 842612 (VCV000842612.10), dbSNP rs2072922521, ClinGen allele CA916083654.